The following is an entry in ClinVar:

ClinVar aggregate classification (germline): Likely benign (0 of 4 stars; one submission).

Conditions:
MYCN-related disorder. Also called: MYCN-related condition.

Allele frequency attached by ClinVar (database versions not stated): gnomAD 0.00003; gnomAD exomes 0.00003; TOPMed 0.00004.

Submission:

PreventionGenetics, part of Exact Sciences
Classification: Likely benign for MYCN-related condition. Last evaluated: 2021-09-21. Review status: no assertion criteria provided. Collection method: clinical testing. Allele origin: germline.
Comment: This variant is classified as likely benign based on ACMG/AMP sequence variant interpretation guidelines (Richards et al. 2015 PMID: 25741868, with internal and published modifications).

NM_005378.6(MYCN):c.-133C>T

Genes: MYCN (MYCN proto-oncogene, bHLH transcription factor; plus strand), MYCNOS (MYCN opposite strand; minus strand). Cytogenetic location: 2p24.3.
Variant type: single nucleotide variant.
Coding change: c.-133C>T on transcript NM_005378.6 (MANE Select); 133 bases upstream of the start codon, C replaced by T.
Molecular consequence: 5 prime UTR variant. On other transcripts: synonymous variant (2).
Genome position (GRCh38, 1-based): chr2:15,940,728, C>T. VCF-style: chr2-15940728-C-T. GRCh37 (hg19) VCF-style: chr2-16080850-C-T.
Other names: c.-443C>T (NM_001293228.2); c.142C>T, p.Leu48= (NM_001293231.2, NM_001293233.2).
Identifiers: ClinVar variation 3030404 (VCV003030404.2), dbSNP rs1024707963, ClinGen allele CA43191910.